The following is an entry in ClinVar:

NM_198506.5(LRIT3):c.269dup (p.Tyr90Ter)

Gene: LRIT3 (leucine rich repeat, Ig-like and transmembrane domains 3; plus strand). Cytogenetic location: 4q25.
Variant type: Duplication.
Coding change: c.269dup on transcript NM_198506.5 (MANE Select); coding-DNA position 269, one base duplicated (A; older notation c.269dupA).
Protein change: p.Tyr90Ter; replaces tyrosine 90 with a stop codon.
Molecular consequence: nonsense.
Genome position (GRCh38, 1-based): chr4:109,851,656, A duplicated. VCF-style (leftmost placement, unchanged base first): chr4-109851655-T-TA. GRCh37 (hg19) VCF-style: chr4-110772811-T-TA.
Other names: NC_000004.11:g.110772812dup; NP_940908.3:p.(Tyr90Ter); short protein forms Y90*.
Identifiers: ClinVar variation 3381802 (VCV003381802.2).

ClinVar aggregate classification (germline): Likely pathogenic (1 of 4 stars; one submission).

Conditions:
Retinal dystrophy. Also called: Inherited retinal dystrophy. Identifiers: Orphanet 71862, MedGen C0854723, MeSH D058499, MONDO:0019118, HP:0000556.

Submission:

Ophthalmic Genetics Group, Institute of Molecular and Clinical Ophthalmology Basel
Classification: Likely pathogenic for Retinal dystrophy. Last evaluated: 2024-05-27. Review status: criteria provided, single submitter. Criteria: ACMG Guidelines, 2015. Collection method: research. Allele origin: germline. Affected: yes. Observed: 9 variant alleles.
Comment: This variant was classified as Likely pathogenic based on ACMG criteria: PVS1_very strong, PM2_mod and PP1_strong

Literature cited by the submitters: PubMed 40180963.